The following is an entry in ClinVar:

NM_174936.4(PCSK9):c.1469C>T (p.Ser490Phe)

Gene: PCSK9 (proprotein convertase subtilisin/kexin type 9; plus strand). Cytogenetic location: 1p32.3.
Variant type: single nucleotide variant.
Coding change: c.1469C>T on transcript NM_174936.4 (MANE Select); coding-DNA position 1469, C replaced by T.
Protein change: p.Ser490Phe; replaces serine 490 with phenylalanine.
Molecular consequence: missense variant.
Genome position (GRCh38, 1-based): chr1:55,058,613, C>T. VCF-style: chr1-55058613-C-T. GRCh37 (hg19) VCF-style: chr1-55524286-C-T.
Other names: c.1592C>T, p.Ser531Phe (NM_001407240.1); c.1469C>T, p.Ser490Phe (NM_001407241.1); c.1472C>T, p.Ser491Phe (NM_001407242.1); c.1412C>T, p.Ser471Phe (NM_001407243.1); c.1295C>T, p.Ser432Phe (NM_001407244.1); c.1277C>T, p.Ser426Phe (NM_001407245.1); c.1094C>T, p.Ser365Phe (NM_001407246.1); short protein forms S432F, S531F, S426F, S471F, S365F, S490F, S491F.
Identifiers: ClinVar variation 1773311 (VCV001773311.2), dbSNP rs1334235967, ClinGen allele CA340479205.

ClinVar aggregate classification (germline): Uncertain significance (1 of 4 stars; one submission).

Conditions:
Cardiovascular phenotype. Identifiers: MedGen CN230736.

Submission:

Ambry Genetics
Classification: Uncertain significance for Cardiovascular phenotype. Last evaluated: 2019-09-20. Review status: criteria provided, single submitter. Criteria: Ambry Variant Classification Scheme 2023. Collection method: clinical testing. Allele origin: germline.
Comment: The p.S490F variant (also known as c.1469C>T), located in coding exon 9 of the PCSK9 gene, results from a C to T substitution at nucleotide position 1469. The serine at codon 490 is replaced by phenylalanine, an amino acid with highly dissimilar properties. This amino acid position is well conserved in available vertebrate species. In addition, the in silico prediction for this alteration is inconclusive. Since supporting evidence is limited at this time, the clinical significance of this alteration remains unclear.